The following is an entry in ClinVar:

ClinVar aggregate classification (germline): Uncertain significance. Review status: criteria provided, multiple submitters, no conflicts (2 of 4 stars). 2 submissions from 2 submitters: Uncertain significance (2). Last evaluated 2026-02-24.

Conditions:
Hereditary cancer-predisposing syndrome. Also called: Hereditary neoplastic syndrome; Neoplastic Syndromes, Hereditary; Tumor predisposition; Hereditary Cancer Syndrome. Identifiers: Orphanet 140162, MedGen C0027672, MeSH D009386, MONDO:0015356.
POLD1-related polyposis and colorectal cancer syndrome (CRCS10). Also called: Colorectal cancer, susceptibility to, 10; Colorectal cancer 10; COLORECTAL CANCER, SUSCEPTIBILITY TO, ON CHROMOSOME 19q. Identifiers: Orphanet 220460, MedGen C2675481, MONDO:0012953, OMIM 612591.

Submissions (2):

Ambry Genetics
Classification: Uncertain significance for Hereditary cancer-predisposing syndrome. Last evaluated: 2026-02-24. Review status: criteria provided, single submitter. Criteria: Ambry Variant Classification Scheme 2023. Collection method: clinical testing. Allele origin: germline.
Comment: The c.317-2_349del35 variant results from a deletion of 35 nucleotides between positions c.317-2 and c.349 and involves the canonical splice acceptor site before coding exon 3 in the POLD1 gene. The canonical splice acceptor site is highly conserved in available vertebrate species In silico splice site analysis predicts that this alteration will weaken the native splice acceptor site; however, the exact impact of this deletion on splicing and function is currently unknown. Since supporting evidence is limited at this time, the clinical significance of this alteration remains unclear.

Labcorp Genetics (formerly Invitae), Labcorp
Classification: Uncertain significance for POLD1-related polyposis and colorectal cancer syndrome. Last evaluated: 2023-06-07. Review status: criteria provided, single submitter. Criteria: Invitae Variant Classification Sherloc (09022015). Collection method: clinical testing. Allele origin: germline.
Comment: This variant results in the deletion of part of exon 4 (c.317-2_349del) of the POLD1 gene. Missense variants that disrupt the 3'-5' exonuclease (proof-reading) activity of the POLD1 protein are associated with PPAP (polymerase proofreading–associated polyposis) (PMID: 23263490, 23447401). However, loss-of-function variants that result in an absent or severely disrupted POLD1 protein, and missense variants outside the exonuclease domain, are unlikely to be associated with PPAP. This variant is not present in population databases (gnomAD no frequency). This variant has not been reported in the literature in individuals affected with POLD1-related conditions. ClinVar contains an entry for this variant (Variation ID: 1062067). Algorithms developed to predict the effect of sequence changes on RNA splicing suggest that this variant may disrupt the consensus splice site. In summary, the available evidence is currently insufficient to determine the role of this variant in disease. Therefore, it has been classified as a Variant of Uncertain Significance.

Literature cited by the submitters: PubMed 23263490 (cited by Labcorp Genetics (formerly Invitae), Labcorp); PubMed 23447401 (cited by Labcorp Genetics (formerly Invitae), Labcorp).

NM_002691.4(POLD1):c.317-2_349del

Gene: POLD1 (DNA polymerase delta 1, catalytic subunit; plus strand). Cytogenetic location: 19q13.33.
Variant type: Deletion.
Coding change: c.317-2_349del on transcript NM_002691.4 (MANE Select); the canonical splice acceptor site of the intron before coding-DNA position 317 through coding-DNA position 349, 35 bases deleted.
Molecular consequence: splice acceptor variant.
Genome position (GRCh38, 1-based): chr19:50,401,776-50,401,810, 35 bases deleted; deleting any 35 consecutive bases within chr19:50,401,770-50,401,810 gives the same sequence; the c. name uses the placement nearest the transcript's 3' end. GRCh37 (hg19): chr19:50,905,033-50,905,067.
Other names: c.317-2_349del (NM_001256849.1, NM_001308632.1).
Identifiers: ClinVar variation 1062067 (VCV001062067.10), dbSNP rs2122231638, ClinGen allele CA2499225554.